The following is an entry in ClinVar:

ClinVar aggregate classification (germline): Likely benign (1 of 4 stars; one submission).

Allele frequency attached by ClinVar (database versions not stated): gnomAD exomes below 0.00001.
gnomAD v4.1: 1 of 1,614,006 alleles (0.000062%); highest among the groups gnomAD compares: Non-Finnish European, 0.000085%; no homozygotes.

Submission:

CeGaT Center for Human Genetics Tuebingen
Classification: Likely benign. Last evaluated: 2023-10-01. Review status: criteria provided, single submitter. Criteria: CeGaT Center For Human Genetics Tuebingen Variant Classification Criteria Version 2. Collection method: clinical testing. Allele origin: germline. Affected: yes. Observed: 1 variant allele.
Comment: WDR26: PM2, PP2, BS2

NM_001379403.1(WDR26):c.1630T>A (p.Ser544Thr)

Gene: WDR26 (WD repeat domain 26; minus strand). Cytogenetic location: 1q42.12.
Variant type: single nucleotide variant.
Coding change: c.1630T>A on transcript NM_001379403.1 (MANE Select); coding-DNA position 1630, T replaced by A.
Protein change: p.Ser544Thr; replaces serine 544 with threonine.
Molecular consequence: missense variant.
Genome position (GRCh38, 1-based): chr1:224,401,039, A>T on the plus strand (T>A on the coding strand, the complement: WDR26 is on the minus strand). VCF-style: chr1-224401039-A-T. GRCh37 (hg19) VCF-style: chr1-224588741-A-T.
Other names: c.1330T>A, p.Ser444Thr (NM_025160.7); c.1282T>A, p.Ser428Thr (NM_001115113.3); short protein forms S428T, S444T, S544T.
Identifiers: ClinVar variation 2498445 (VCV002498445.28), dbSNP rs2464688338, ClinGen allele CA344748030.